The following is an entry in ClinVar:

ClinVar aggregate classification (germline): Uncertain significance. Review status: criteria provided, multiple submitters, no conflicts (2 of 4 stars). 4 submissions from 4 submitters: Uncertain significance (4). Last evaluated 2025-10-23.

Conditions:
Colorectal cancer, hereditary nonpolyposis, type 7. Identifiers: Orphanet 144, MedGen C1858380, MONDO:0013725, OMIM 614385.

Allele frequency attached by ClinVar (database versions not stated): gnomAD exomes 0.00001; gnomAD 0.00002; TOPMed 0.00002.
gnomAD v4.1: 9 of 1,614,078 alleles (0.00056%); highest among the groups gnomAD compares: Admixed American, 0.0067%; no homozygotes.

Submissions (4):

Labcorp Genetics (formerly Invitae), Labcorp
Classification: Uncertain significance for Colorectal cancer, hereditary nonpolyposis, type 7. Last evaluated: 2025-10-23. Review status: criteria provided, single submitter. Criteria: Invitae Variant Classification Sherloc (09022015). Collection method: clinical testing. Allele origin: germline.
Comment: This sequence change replaces methionine, which is neutral and non-polar, with threonine, which is neutral and polar, at codon 321 of the MLH3 protein (p.Met321Thr). The frequency data for this variant in the population databases is considered unreliable, as metrics indicate poor data quality at this position in the gnomAD database. This variant has not been reported in the literature in individuals affected with MLH3-related conditions. ClinVar contains an entry for this variant (Variation ID: 581825). An algorithm developed to predict the effect of missense changes on protein structure and function (PolyPhen-2) suggests that this variant is likely to be tolerated. In summary, the available evidence is currently insufficient to determine the role of this variant in disease. Therefore, it has been classified as a Variant of Uncertain Significance.

Ambry Genetics
Classification: Uncertain significance. Last evaluated: 2024-10-29. Review status: criteria provided, single submitter. Criteria: Ambry Variant Classification Scheme 2023. Collection method: clinical testing. Allele origin: germline.
Comment: The p.M321T variant (also known as c.962T>C), located in coding exon 1 of the MLH3 gene, results from a T to C substitution at nucleotide position 962. The methionine at codon 321 is replaced by threonine, an amino acid with similar properties. This amino acid position is poorly conserved in available vertebrate species. In addition, the in silico prediction for this alteration is inconclusive. The evidence for this gene-disease relationship is limited; therefore, the clinical significance of this alteration is unclear.

Blueprint Genetics
Classification: Uncertain significance. Last evaluated: 2023-09-21. Review status: criteria provided, single submitter. Criteria: ACMG Guidelines, 2015. Collection method: clinical testing. Allele origin: germline.

ARUP Laboratories, Molecular Genetics and Genomics, ARUP Laboratories
Classification: Uncertain significance. Last evaluated: 2023-02-28. Review status: criteria provided, single submitter. Criteria: ARUP Molecular Germline Variant Investigation Process 2024. Collection method: clinical testing. Allele origin: germline.
Comment: The MLH3 c.962T>C; p.Met321Thr variant (rs1004768761), to our knowledge, is not reported in the medical literature but is reported in ClinVar (Variation ID: 581825). This variant is only found on four alleles in the Genome Aggregation Database, indicating it is not a common polymorphism. Computational analyses are uncertain whether this variant is neutral or deleterious (REVEL: 0.626). Due to limited information, the clinical significance of this variant is uncertain at this time.

NM_001040108.2(MLH3):c.962T>C (p.Met321Thr)

Gene: MLH3 (mutL homolog 3; minus strand). Cytogenetic location: 14q24.3.
Variant type: single nucleotide variant.
Coding change: c.962T>C on transcript NM_001040108.2 (MANE Select); coding-DNA position 962, T replaced by C.
Protein change: p.Met321Thr; replaces methionine 321 with threonine.
Molecular consequence: missense variant.
Genome position (GRCh38, 1-based): chr14:75,048,694, A>G on the plus strand (T>C on the coding strand, the complement: MLH3 is on the minus strand). VCF-style: chr14-75048694-A-G. GRCh37 (hg19) VCF-style: chr14-75515397-A-G.
Other names: c.962T>C, p.Met321Thr (NM_014381.3); short protein forms M321T.
Identifiers: ClinVar variation 581825 (VCV000581825.14), dbSNP rs1004768761, ClinGen allele CA263653365.